The following is an entry in ClinVar:

NM_000038.6(APC):c.2563G>C (p.Glu855Gln)

Gene: APC (APC regulator of Wnt signaling pathway; plus strand). Cytogenetic location: 5q22.2.
Variant type: single nucleotide variant.
Coding change: c.2563G>C on transcript NM_000038.6 (MANE Select); coding-DNA position 2563, G replaced by C.
Protein change: p.Glu855Gln; replaces glutamic acid 855 with glutamine.
Molecular consequence: missense variant.
Genome position (GRCh38, 1-based): chr5:112,838,157, G>C. VCF-style: chr5-112838157-G-C. GRCh37 (hg19) VCF-style: chr5-112173854-G-C.
Other names: c.2563G>C, p.Glu855Gln (NM_001127510.3, NM_001354895.2); c.2509G>C, p.Glu837Gln (NM_001127511.3); c.2617G>C, p.Glu873Gln (NM_001354896.2); c.2593G>C, p.Glu865Gln (NM_001354897.2); c.2488G>C, p.Glu830Gln (NM_001354898.2); c.2479G>C, p.Glu827Gln (NM_001354899.2); c.2440G>C, p.Glu814Gln (NM_001354900.2); c.2386G>C, p.Glu796Gln (NM_001354901.2); and 5 more; short protein forms E572Q, E695Q, E729Q, E754Q, E764Q, E796Q, E814Q, E827Q.
Identifiers: ClinVar variation 1014471 (VCV001014471.13), dbSNP rs1320581229, ClinGen allele CA16026950.

ClinVar aggregate classification (germline): Uncertain significance. Review status: criteria provided, multiple submitters, no conflicts (2 of 4 stars). 3 submissions from 3 submitters: Uncertain significance (3). Last evaluated 2024-12-09.

Conditions:
Classic or attenuated familial adenomatous polyposis. Identifiers: MedGen CN372698, MONDO:0021057.
Hereditary cancer-predisposing syndrome. Also called: Hereditary Cancer Syndrome; Tumor predisposition; Neoplastic Syndromes, Hereditary; Hereditary neoplastic syndrome. Identifiers: Orphanet 140162, MedGen C0027672, MeSH D009386, MONDO:0015356.
Familial adenomatous polyposis 1 (FAP1). Also called: FAMILIAL ADENOMATOUS POLYPOSIS 1, ATTENUATED; POLYPOSIS, ADENOMATOUS INTESTINAL. Identifiers: MedGen C2713442, MONDO:0021056, OMIM 175100. Disease mechanism: loss of function.

Allele frequency attached by ClinVar (database versions not stated): gnomAD exomes below 0.00001; TOPMed below 0.00001; gnomAD 0.00001.
gnomAD v4.1: 3 of 1,614,056 alleles (0.00019%); highest among the groups gnomAD compares: African/African-American, 0.0027%; no homozygotes.

Submissions (3):

Labcorp Genetics (formerly Invitae), Labcorp
Classification: Uncertain significance for Familial adenomatous polyposis 1. Last evaluated: 2024-12-09. Review status: criteria provided, single submitter. Criteria: Invitae Variant Classification Sherloc (09022015). Collection method: clinical testing. Allele origin: germline.
Comment: This sequence change replaces glutamic acid, which is acidic and polar, with glutamine, which is neutral and polar, at codon 855 of the APC protein (p.Glu855Gln). This variant is present in population databases (no rsID available, gnomAD 0.0009%). This variant has not been reported in the literature in individuals affected with APC-related conditions. ClinVar contains an entry for this variant (Variation ID: 1014471). Invitae Evidence Modeling of protein sequence and biophysical properties (such as structural, functional, and spatial information, amino acid conservation, physicochemical variation, residue mobility, and thermodynamic stability) indicates that this missense variant is not expected to disrupt APC protein function with a negative predictive value of 95%. In summary, the available evidence is currently insufficient to determine the role of this variant in disease. Therefore, it has been classified as a Variant of Uncertain Significance.

All of Us Research Program, National Institutes of Health
Classification: Uncertain significance for Classic or attenuated familial adenomatous polyposis. Last evaluated: 2023-09-18. Review status: criteria provided, single submitter. Criteria: ACMG Guidelines, 2015. Collection method: clinical testing. Allele origin: germline. Inheritance: Autosomal dominant inheritance. Observed: 1 variant allele, 1 heterozygote.
Comment: This missense variant replaces glutamic acid with glutamine at codon 855 of the APC protein. Computational prediction suggests that this variant may not impact protein structure and function (internally defined REVEL score threshold <= 0.5, PMID: 27666373). To our knowledge, functional studies have not been reported for this variant. This variant has not been reported in individuals affected with APC-related disorders in the literature. This variant has been identified in 1/251164 chromosomes in the general population by the Genome Aggregation Database (gnomAD). The available evidence is insufficient to determine the role of this variant in disease conclusively. Therefore, this variant is classified as a Variant of Uncertain Significance.

This study involves interpretation of variants in research participants for the purpose of population health screening. Participant phenotype was not available at the time of variant classification. Additional details can be found in publication PMID: 35346344, PMCID: PMC8962531

Ambry Genetics
Classification: Uncertain significance for Hereditary cancer-predisposing syndrome. Last evaluated: 2022-04-05. Review status: criteria provided, single submitter. Criteria: Ambry Variant Classification Scheme 2023. Collection method: clinical testing. Allele origin: germline.
Comment: The p.E855Q variant (also known as c.2563G>C), located in coding exon 15 of the APC gene, results from a G to C substitution at nucleotide position 2563. The glutamic acid at codon 855 is replaced by glutamine, an amino acid with highly similar properties. This amino acid position is conserved. In addition, in silico predictors for this gene do not accurately predict pathogenicity. Since supporting evidence is limited at this time, the clinical significance of this alteration remains unclear.